The following is an entry in ClinVar:

ClinVar aggregate classification (germline): Benign. Review status: reviewed by expert panel (3 of 4 stars). 14 submissions from 14 submitters: Benign (1). 13 of the submissions do not count toward it. Last evaluated 2017-06-29.

Conditions:
BRCA1-related disorder. Also called: BRCA1-related condition.
Breast and/or ovarian cancer. Identifiers: MedGen CN221562.
Hereditary cancer-predisposing syndrome. Also called: Tumor predisposition; Neoplastic Syndromes, Hereditary; Hereditary Cancer Syndrome; Hereditary neoplastic syndrome. Identifiers: Orphanet 140162, MedGen C0027672, MeSH D009386, MONDO:0015356.
Hereditary breast ovarian cancer syndrome. Also called: Hereditary breast and ovarian cancer syndrome (HBOC); Hereditary breast and ovarian cancer syndrome; Hereditary breast and ovarian cancer; Hereditary breast and/or ovarian cancer syndrome; Breast and ovarian cancer; BRCA1- and BRCA2-Associated Hereditary Breast and Ovarian Cancer. Identifiers: Orphanet 145, MedGen C0677776, MeSH D061325, MONDO:0003582. Disease mechanism: loss of function.
Breast-ovarian cancer, familial, susceptibility to, 1 (BROVCA1). Also called: OVARIAN CANCER, SUSCEPTIBILITY TO; BRCA1 Hereditary Breast and Ovarian Cancer. Identifiers: Orphanet 145, MedGen C2676676, MONDO:0011450, OMIM 604370. Disease mechanism: loss of function.

Allele frequency attached by ClinVar (database versions not stated): ExAC 0.00002; gnomAD 0.00003; TOPMed 0.00003; gnomAD exomes 0.00004 and 0.00006; ESP Exome Variant Server 0.00008.
gnomAD v4.1: 95 of 1,613,828 alleles (0.0059%); highest among the groups gnomAD compares: Non-Finnish European, 0.008%; no homozygotes.

Submissions 1 to 4 of 14:

Evidence-based Network for the Interpretation of Germline Mutant Alleles (ENIGMA)
Classification: Benign for Breast-ovarian cancer, familial, susceptibility to, 1. Last evaluated: 2017-06-29. Review status: reviewed by expert panel. Criteria: ENIGMA BRCA1/2 Classification Criteria (2017-06-29). Collection method: curation. Allele origin: germline.
Comment: In our experience this variant always co-occurs in cis with c.594-2A>C. The haplotype of c.[594-2A>C; 641A>G] has been shown to be not pathogenic from comprehensive clinical studies (PMID:27008870). We recommend that if c.641A>G is detected in an individual, presence of c.594-2A>C should be verified. If co-occurrence is confirmed, the combination of the two variants is classified as not pathogenic/benign (see SCV000282252.1). If c.641A>G is detected alone, assume clinical significance uncertain in the absence of further evidence.

Women's Health and Genetics/Laboratory Corporation of America, LabCorp
Classification: Likely benign. Last evaluated: 2026-03-06. Review status: criteria provided, single submitter. Criteria: LabCorp Variant Classification Summary - May 2015. Collection method: clinical testing. Allele origin: germline. Not counted in ClinVar's aggregate classification.
Comment: Variant summary: BRCA1 c.641A>G (p.Asp214Gly) results in a non-conservative amino acid change in the encoded protein sequence. Algorithms developed to predict the effect of missense changes on protein structure and function are either unavailable or do not agree on the potential impact of this missense change. However, in vitro functional studies have shown that the variant in isolation leads to an out-of-frame exon 10 skipping (likely resulting in NMD). As c.641A>G is located outside of splice sites, this variant probably disturbs the regulation of exon 10 splicing by destroying splicing enhancer and/or creating splicing silencer elements, a hypothesis supported by an in silico analysis (de la Hoya 2016). On the other hand, the variant very frequently, if not always, is found in complex with c.594-2A>C (located in intron 9), and the two together were shown also to cause an out-of-frame exon 10 skipping. Notably, though the double mutant allele c.[594-2A>C; 641A>G] did not produce detectable levels of full-length transcripts, it produced normal levels of the delta 9,10 transcripts (which is a naturally occurring alternative transcript, with an in-frame deletion of exon 9 and 10), predicted to encode a BRCA1 protein with sufficient tumor suppression function to compensate for the lack of full length transcripts (de la Hoya 2016). Additionally, when testing the protein level effect of this variant (i.e. D214G) in isolation, the variant protein was shown to have proficient HDR activity (Starita_2018). The variant allele was found at a frequency of 5.9e-05 in 1606832control chromosomes (gnomAD database, v4.0 dataset). This frequency is not significantly higher than estimated for disease-causing variants in BRCA1, allowing no conclusion about variant significance. This variant has been found in many HBOC patients, in most cases as a complex allele in cis with c.594-2A>C, however, the complex variant has also been found to co-occur with other pathogenic BRCA mutations (see e.g. Wong-Brown 2016) and other cancer-gene mutations (Lattimore_2021). In addition, a multifactorial analysis considering large scale case-control, segregation and breast cancer pathology information for the complex allele c.[594-2A>C; 641A>G] predicted the complex variant to be not pathogenic (de la Hoya 2016). The following publications have been ascertained in the context of this evaluation (PMID: 21702907, 25639900, 20104584, 30623411, 21520273, 33113089, 26207792, 20127978, 15385441, 29168416, 22811390, 29254167, 10408690, 30219179, 16211554, 26884819, 27008870). ClinVar contains an entry for this variant (Variation ID: 37689). Based on the evidence outlined above, the variant was classified as likely benign.

Labcorp Genetics (formerly Invitae), Labcorp
Classification: Uncertain significance for Hereditary breast ovarian cancer syndrome. Last evaluated: 2026-01-27. Review status: criteria provided, single submitter. Criteria: Invitae Variant Classification Sherloc (09022015). Collection method: clinical testing. Allele origin: germline. Not counted in ClinVar's aggregate classification.
Comment: This sequence change replaces aspartic acid, which is acidic and polar, with glycine, which is neutral and non-polar, at codon 214 of the BRCA1 protein (p.Asp214Gly). This variant is present in population databases (rs55680408, gnomAD 0.007%). This variant has been observed in trans (on the opposite chromosome) from at least two different pathogenic variants in BRCA1, in individuals affected with breast cancer (PMID: 25639900, internal data). Considering that biallelic pathogenic variants are expected to be lethal, this evidence indicates that this variant is not a primary cause of disease. This variant is generally observed on the same chromosome as a second BRCA1 variant, c.594-2A>C. Comprehensive clinical validation studies have shown that this BRCA1 haplotype c.[594-2A>C; 641A>G] is not disease causing (PMID: 27008870, 25639900). ClinVar contains an entry for this variant (Variation ID: 37689). Invitae Evidence Modeling of protein sequence and biophysical properties (such as structural, functional, and spatial information, amino acid conservation, physicochemical variation, residue mobility, and thermodynamic stability) indicates that this missense variant is not expected to disrupt BRCA1 protein function with a negative predictive value of 80%. Experimental studies have shown that this missense change does not substantially affect BRCA1 function (PMID: 26689913). RNA analysis performed to evaluate the impact of this missense change on mRNA splicing indicates it does not significantly alter splicing (internal data). In summary, the available evidence is currently insufficient to determine the role of this variant in disease. Therefore, it has been classified as a Variant of Uncertain Significance.

Institute for Biomarker Research, Medical Diagnostic Laboratories, L.L.C.
Classification: Likely benign for Hereditary breast ovarian cancer syndrome. Last evaluated: 2025-02-06. Review status: criteria provided, single submitter. Criteria: ACMG Guidelines, 2015. Collection method: clinical testing. Allele origin: germline. Not counted in ClinVar's aggregate classification.
Comment: The missense variant NM_007294.4(BRCA1):c.641A>G (p.Asp214Gly) has been reported to ClinVar as Benign with a status of (3 stars) reviewed by expert panel (Variation ID 37689 as of 2025-01-02). There is a moderate physicochemical difference between aspartic acid and glycine. The p.Asp214Gly missense variant is predicted to be tolerated by both SIFT or PolyPhen2. The nucleotide c.641 in BRCA1 is not conserved according to a GERP++ and PhyloP analysis of 100 vertebrates. For these reasons, this variant has been classified as Likely Benign.

NM_007294.4(BRCA1):c.641A>G (p.Asp214Gly)

Gene: BRCA1 (BRCA1 DNA repair associated; minus strand). Cytogenetic location: 17q21.31.
Variant type: single nucleotide variant.
Coding change: c.641A>G on transcript NM_007294.4 (MANE Select); coding-DNA position 641, A replaced by G.
Protein change: p.Asp214Gly; replaces aspartic acid 214 with glycine.
Molecular consequence: missense variant. On other transcripts: non-coding transcript variant (1).
Genome position (GRCh38, 1-based): chr17:43,095,875, T>C on the plus strand (A>G on the coding strand, the complement: BRCA1 is on the minus strand). VCF-style: chr17-43095875-T-C. GRCh37 (hg19) VCF-style: chr17-41247892-T-C.
Other names: p.D214G:GAT>GGT; 760A>G; c.500A>G, p.Asp167Gly (NM_001407732.1, NM_001407733.1, NM_001407734.1 and 43 more transcripts); c.497A>G, p.Asp166Gly (NM_001407740.1, NM_001407741.1, NM_001407742.1 and 26 more transcripts); c.428A>G, p.Asp143Gly (NM_001407853.1, NM_001407894.1, NM_001407895.1 and 12 more transcripts); c.641A>G, p.Asp214Gly (NM_001407854.1, NM_001407858.1, NM_001407859.1 and 59 more transcripts); c.638A>G, p.Asp213Gly (NM_001407860.1, NM_001407861.1, NM_001407972.1 and 41 more transcripts); c.431A>G, p.Asp144Gly (NM_001407879.1, NM_001407881.1, NM_001407882.1 and 27 more transcripts); and 6 more; short protein forms D214G, D167G, D143G, D166G, D87G, D144G, D211G, D187G.
Identifiers: ClinVar variation 37689 (VCV000037689.29), dbSNP rs55680408, ClinGen allele CA003770.